The following is an entry in ClinVar:

NM_003737.4(DCHS1):c.4202C>A (p.Pro1401Gln)

Gene: DCHS1 (dachsous cadherin-related 1; minus strand). Cytogenetic location: 11p15.4.
Variant type: single nucleotide variant.
Coding change: c.4202C>A on transcript NM_003737.4 (MANE Select); coding-DNA position 4202, C replaced by A.
Protein change: p.Pro1401Gln; replaces proline 1401 with glutamine.
Molecular consequence: missense variant.
Genome position (GRCh38, 1-based): chr11:6,630,592, G>T on the plus strand (C>A on the coding strand, the complement: DCHS1 is on the minus strand). VCF-style: chr11-6630592-G-T. GRCh37 (hg19) VCF-style: chr11-6651823-G-T.
Other names: short protein forms P1401Q.
Identifiers: ClinVar variation 4743005 (VCV004743005.1).

ClinVar aggregate classification (germline): Uncertain significance (1 of 4 stars; one submission).

Submission:

Labcorp Genetics (formerly Invitae), Labcorp
Classification: Uncertain significance. Last evaluated: 2025-05-24. Review status: criteria provided, single submitter. Criteria: Invitae Variant Classification Sherloc (09022015). Collection method: clinical testing. Allele origin: germline.
Comment: This sequence change replaces proline, which is neutral and non-polar, with glutamine, which is neutral and polar, at codon 1401 of the DCHS1 protein (p.Pro1401Gln). This variant is not present in population databases (gnomAD no frequency). This variant has not been reported in the literature in individuals affected with DCHS1-related conditions. Invitae Evidence Modeling of protein sequence and biophysical properties (such as structural, functional, and spatial information, amino acid conservation, physicochemical variation, residue mobility, and thermodynamic stability) indicates that this missense variant is not expected to disrupt DCHS1 protein function with a negative predictive value of 80%. In summary, the available evidence is currently insufficient to determine the role of this variant in disease. Therefore, it has been classified as a Variant of Uncertain Significance.